The following is an entry in ClinVar:

NM_174936.4(PCSK9):c.1265A>T (p.Asp422Val)

Gene: PCSK9 (proprotein convertase subtilisin/kexin type 9; plus strand). Cytogenetic location: 1p32.3.
Variant type: single nucleotide variant.
Coding change: c.1265A>T on transcript NM_174936.4 (MANE Select); coding-DNA position 1265, A replaced by T.
Protein change: p.Asp422Val; replaces aspartic acid 422 with valine.
Molecular consequence: missense variant. On other transcripts: non-coding transcript variant (8), intron variant (2).
Genome position (GRCh38, 1-based): chr1:55,058,120, A>T. VCF-style: chr1-55058120-A-T. GRCh37 (hg19) VCF-style: chr1-55523793-A-T.
Other names: c.1388A>T, p.Asp463Val (NM_001407240.1); c.1265A>T, p.Asp422Val (NM_001407241.1); c.1268A>T, p.Asp423Val (NM_001407242.1); c.1208A>T, p.Asp403Val (NM_001407243.1); c.1073A>T, p.Asp358Val (NM_001407245.1); c.890A>T, p.Asp297Val (NM_001407246.1); c.1181-379A>T (NM_001407244.1); c.1180+606A>T (NM_001407247.1); short protein forms D297V, D358V, D403V, D422V, D423V, D463V.
Identifiers: ClinVar variation 4532388 (VCV004532388.2).

ClinVar aggregate classification (germline): Uncertain significance. Review status: criteria provided, multiple submitters, no conflicts (2 of 4 stars). 2 submissions from 2 submitters: Uncertain significance (2). Last evaluated 2025-06-23.

Conditions:
Familial hypercholesterolemia. Also called: Familial hypercholesterolaemia. Identifiers: MedGen C0020445, MONDO:0005439.

gnomAD v4.1: 2 of 1,613,514 alleles (0.00012%); highest among the groups gnomAD compares: African/African-American, 0.0013%; no homozygotes.

Submissions (2):

Color Diagnostics, LLC DBA Color Health
Classification: Uncertain significance for Familial hypercholesterolemia. Last evaluated: 2025-06-23. Review status: criteria provided, single submitter. Criteria: ACMG Guidelines, 2015. Collection method: clinical testing. Allele origin: germline.
Comment: This missense variant replaces aspartic acid with valine at codon 422 of the PCSK9 protein. Computational prediction suggests that this variant may not impact protein structure and function. To our knowledge, functional studies have not been reported for this variant. This variant has not been reported in individuals affected with PCSK9-related disorders in the literature. This variant has been identified in 1/251232 chromosomes in the general population by the Genome Aggregation Database (gnomAD). The available evidence is insufficient to determine the role of this variant in disease conclusively. Therefore, this variant is classified as a Variant of Uncertain Significance.

GeneDx
Classification: Uncertain significance. Last evaluated: 2025-05-29. Review status: criteria provided, single submitter. Criteria: GeneDx Variant Classification Process June 2021. Collection method: clinical testing. Allele origin: germline. Affected: yes.
Comment: Not observed at significant frequency in large population cohorts (gnomAD); Has not been previously published as pathogenic or benign to our knowledge